The following is an entry in ClinVar:

NM_000548.5(TSC2):c.4470G>C (p.Glu1490Asp)

Gene: TSC2 (TSC complex subunit 2; plus strand). Cytogenetic location: 16p13.3.
Variant type: single nucleotide variant.
Coding change: c.4470G>C on transcript NM_000548.5 (MANE Select); coding-DNA position 4470, G replaced by C.
Protein change: p.Glu1490Asp; replaces glutamic acid 1490 with aspartic acid.
Molecular consequence: missense variant.
Genome position (GRCh38, 1-based): chr16:2,084,692, G>C. VCF-style: chr16-2084692-G-C. GRCh37 (hg19) VCF-style: chr16-2134693-G-C.
Other names: c.4269G>C, p.Glu1423Asp (NM_001077183.3); c.4401G>C, p.Glu1467Asp (NM_001114382.3); c.4161G>C, p.Glu1387Asp (NM_001318827.2); c.4125G>C, p.Glu1375Asp (NM_001318829.2); c.3738G>C, p.Glu1246Asp (NM_001318831.2); c.4302G>C, p.Glu1434Asp (NM_001318832.2); c.4272G>C, p.Glu1424Asp (NM_001363528.2); c.4338G>C, p.Glu1446Asp (NM_001370404.1); and 1 more; short protein forms E1446D, E1490D, E1246D, E1375D, E1387D, E1423D, E1424D, E1467D.
Identifiers: ClinVar variation 1398873 (VCV001398873.11), dbSNP rs1221986548, ClinGen allele CA394302506.
Genomic context (GRCh38, chr16:2,084,692, plus strand): 5'-CAGGGGCAAGAGAGTAGAGAGGGACGCCTTAAAGAGCAGAGCCACAGCCTCCAATGCAGA[G>C]AAAGTGCCAGGCATCAACCCCAGGTGGGCCTCTTGCTTCCGGGCGGGGCTCCTGACACCT-3'
Protein context (NP_000539.2, residues 1480-1500): LKSRATASNA[Glu1490Asp]KVPGINPSFV

ClinVar aggregate classification (germline): Uncertain significance. Review status: criteria provided, multiple submitters, no conflicts (2 of 4 stars). 2 submissions from 2 submitters: Uncertain significance (2). Last evaluated 2025-04-17.

Conditions:
Hereditary cancer-predisposing syndrome. Also called: Neoplastic Syndromes, Hereditary; Hereditary neoplastic syndrome; Hereditary Cancer Syndrome; Tumor predisposition. Identifiers: Orphanet 140162, MedGen C0027672, MeSH D009386, MONDO:0015356.
Tuberous sclerosis 2 (TSC2). Identifiers: Orphanet 805, MedGen C1860707, MONDO:0013199, OMIM 613254.

Allele frequency attached by ClinVar (database versions not stated): gnomAD 0.00001.
gnomAD v4.1: 1 of 1,598,304 alleles (0.000063%); highest among the groups gnomAD compares: Non-Finnish European, 0.000085%; no homozygotes.

Submissions (2):

Ambry Genetics
Classification: Uncertain significance for Hereditary cancer-predisposing syndrome. Last evaluated: 2025-04-17. Review status: criteria provided, single submitter. Criteria: Ambry Variant Classification Scheme 2023. Collection method: clinical testing. Allele origin: germline.
Comment: The p.E1490D variant (also known as c.4470G>C), located in coding exon 33 of the TSC2 gene, results from a G to C substitution at nucleotide position 4470. The glutamic acid at codon 1490 is replaced by aspartic acid, an amino acid with highly similar properties. This amino acid position is highly conserved in available vertebrate species. In addition, this alteration is predicted to be deleterious by in silico analysis. Since supporting evidence is limited at this time, the clinical significance of this alteration remains unclear.

Labcorp Genetics (formerly Invitae), Labcorp
Classification: Uncertain significance for Tuberous sclerosis 2. Last evaluated: 2020-12-21. Review status: criteria provided, single submitter. Criteria: Invitae Variant Classification Sherloc (09022015). Collection method: clinical testing. Allele origin: germline.
Comment: This sequence change replaces glutamic acid with aspartic acid at codon 1490 of the TSC2 protein (p.Glu1490Asp). The glutamic acid residue is highly conserved and there is a small physicochemical difference between glutamic acid and aspartic acid. This variant is not present in population databases (ExAC no frequency). This variant has not been reported in the literature in individuals with TSC2-related conditions. Advanced modeling of protein sequence and biophysical properties (such as structural, functional, and spatial information, amino acid conservation, physicochemical variation, residue mobility, and thermodynamic stability) performed at Invitae indicates that this missense variant is not expected to disrupt TSC2 protein function. In summary, the available evidence is currently insufficient to determine the role of this variant in disease. Therefore, it has been classified as a Variant of Uncertain Significance.